The following is an entry in ClinVar:

NM_004360.5(CDH1):c.376_382dup (p.His128fs)

Gene: CDH1 (cadherin 1; plus strand). Cytogenetic location: 16q22.1.
Variant type: Microsatellite.
Coding change: c.376_382dup on transcript NM_004360.5 (MANE Select); coding-DNA positions 376 to 382, 7 bases duplicated (CCGCCCC; older notation c.376_382dupCCGCCCC).
Protein change: p.His128fs; shifts the reading frame from histidine 128.
Molecular consequence: frameshift variant. On other transcripts: 5 prime UTR variant (2).
Genome position (GRCh38, 1-based): chr16:68,801,882-68,801,888, CCGCCCC duplicated; duplicating any 7 consecutive bases within chr16:68,801,875-68,801,888 gives the same sequence; the c. name uses the placement nearest the transcript's 3' end. VCF-style (leftmost placement, unchanged base first): chr16-68801874-A-ACCGCCCC. GRCh37 (hg19) VCF-style: chr16-68835777-A-ACCGCCCC.
Other names: c.376_382dup, p.His128fs (NM_001317184.2); c.-1247CCGCCCC[3] (NM_001317185.2); c.-1451CCGCCCC[3] (NM_001317186.2); c.369_375CCGCCCC[3] (NM_004360.5); short protein forms H128fs.
Identifiers: ClinVar variation 567576 (VCV000567576.16), dbSNP rs1567501500, ClinGen allele CA891844132.

ClinVar aggregate classification (germline): Pathogenic. Review status: reviewed by expert panel (3 of 4 stars). 4 submissions from 4 submitters: Pathogenic (1). 3 of the submissions do not count toward it. Last evaluated 2023-08-04.

Conditions:
Hereditary diffuse gastric adenocarcinoma (HDGC). Also called: DIFFUSE GASTRIC AND LOBULAR BREAST CANCER SYNDROME. Identifiers: Orphanet 26106, MedGen C1708349, MONDO:0007648, OMIM 137215.
CDH1-related diffuse gastric and lobular breast cancer syndrome. Also called: CDH1-related diffuse gastric and lobular breast cancer. Identifiers: MedGen CN311521, MONDO:0100488.
Hereditary cancer-predisposing syndrome. Also called: Neoplastic Syndromes, Hereditary; Tumor predisposition; Hereditary Cancer Syndrome; Hereditary neoplastic syndrome. Identifiers: Orphanet 140162, MedGen C0027672, MeSH D009386, MONDO:0015356.

Submissions (4):

Clingen Gastric Cancer Variant Curation Expert Panel
Classification: Pathogenic for CDH1-related diffuse gastric and lobular breast cancer syndrome. Last evaluated: 2023-08-04. Review status: reviewed by expert panel. Criteria: ClinGen CDH1 ACMG Specifications V3.1. Collection method: curation. Allele origin: germline. Inheritance: Autosomal dominant inheritance.
Comment: The c.369_375CCGCCCC[3] (p.His128Profs*42) variant is predicted to result in a premature stop codon that leads to nonsense mediate decay (PVS1 and PM5_supporting). The variant is absent in the gnomAD cohort (PM2_supporting). Therefore, this variant meets criteria to be classified as pathogenic based on the ACMG/AMP criteria applied as specified by the CDH1 Variant Curation Expert Panel (CDH1 VCEP specifications version 3.1): PVS1, PM2_supporting, PM5_supporting.

Ambry Genetics
Classification: Pathogenic for Hereditary cancer-predisposing syndrome. Last evaluated: 2025-01-06. Review status: criteria provided, single submitter. Criteria: Ambry Variant Classification Scheme 2023. Collection method: clinical testing. Allele origin: germline. Not counted in ClinVar's aggregate classification.
Comment: The c.376_382dupCCGCCCC pathogenic mutation, located in coding exon 3 of the CDH1 gene, results from a duplication of CCGCCCC at nucleotide position 376, causing a translational frameshift with a predicted alternate stop codon (p.H128Pfs*42). This variant is considered to be rare based on population cohorts in the Genome Aggregation Database (gnomAD). This alteration is expected to result in loss of function by premature protein truncation or nonsense-mediated mRNA decay. As such, this alteration is interpreted as a disease-causing mutation.

Myriad Genetics, Inc.
Classification: Pathogenic for Hereditary diffuse gastric adenocarcinoma. Last evaluated: 2023-06-08. Review status: criteria provided, single submitter. Criteria: Myriad Autosomal Dominant, Autosomal Recessive and X-Linked Classification Criteria (2023). Collection method: clinical testing. Allele origin: unknown. Not counted in ClinVar's aggregate classification.
Comment: This variant is considered pathogenic. This variant creates a frameshift predicted to result in premature protein truncation.

Labcorp Genetics (formerly Invitae), Labcorp
Classification: Pathogenic for Hereditary diffuse gastric adenocarcinoma. Last evaluated: 2018-04-19. Review status: criteria provided, single submitter. Criteria: Invitae Variant Classification Sherloc (09022015). Collection method: clinical testing. Allele origin: germline. Not counted in ClinVar's aggregate classification.
Comment: For these reasons, this variant has been classified as Pathogenic. Loss-of-function variants in CDH1 are known to be pathogenic (PMID: 15235021, 20373070). This variant has not been reported in the literature in individuals with CDH1-related disease. This variant is not present in population databases (ExAC no frequency). This sequence change creates a premature translational stop signal (p.His128Profs*42) in the CDH1 gene. It is expected to result in an absent or disrupted protein product.

Literature cited by the submitters: PubMed 15235021 (cited by Labcorp Genetics (formerly Invitae), Labcorp); PubMed 20373070 (cited by Labcorp Genetics (formerly Invitae), Labcorp).